The following is an entry in ClinVar:

NM_001080488.2(ONECUT3):c.774A>G (p.Ala258=)

Gene: ONECUT3 (one cut homeobox 3; plus strand). Cytogenetic location: 19p13.3.
Variant type: single nucleotide variant.
Coding change: c.774A>G on transcript NM_001080488.2 (MANE Select); coding-DNA position 774, A replaced by G.
Protein change: p.Ala258=; no amino-acid change (alanine 258 retained).
Molecular consequence: synonymous variant.
Genome position (GRCh38, 1-based): chr19:1,754,436, A>G. VCF-style: chr19-1754436-A-G. GRCh37 (hg19) VCF-style: chr19-1754435-A-G.
Identifiers: ClinVar variation 4873855 (VCV004873855.2).

ClinVar aggregate classification (germline): Likely benign (1 of 4 stars; one submission).

Submission:

CeGaT Center for Human Genetics Tuebingen
Classification: Likely benign. Last evaluated: 2026-05-01. Review status: criteria provided, single submitter. Criteria: CeGaT Center For Human Genetics Tuebingen Variant Classification Criteria Version 2. Collection method: clinical testing. Allele origin: germline. Affected: yes. Observed: 1 variant allele.
Comment: ONECUT3: PM2:Supporting, BP4, BP7